The following is an entry in ClinVar:

ClinVar aggregate classification (germline): Conflicting classifications of pathogenicity. Review status: criteria provided, conflicting classifications (1 of 4 stars). 2 submissions from 2 submitters: Likely pathogenic (1); Uncertain significance (1). Last evaluated 2024-01-12.

Conditions:
Autosomal recessive congenital ichthyosis 10 (ARCI10). Identifiers: Orphanet 79394, MedGen C3554355, MONDO:0014011, OMIM 615024.
Lamellar ichthyosis. Identifiers: Orphanet 313, MedGen C5848247, MONDO:0017778.

Submissions (2):

Women's Health and Genetics/Laboratory Corporation of America, LabCorp
Classification: Likely pathogenic for Lamellar ichthyosis. Last evaluated: 2024-01-12. Review status: criteria provided, single submitter. Criteria: LabCorp Variant Classification Summary - May 2015. Collection method: clinical testing. Allele origin: germline.
Comment: Variant summary: PNPLA1 c.205+5G>A alters a conserved nucleotide located close to a canonical splice site and therefore could affect mRNA splicing, leading to a significantly altered protein sequence. Several computational tools predict a significant impact on normal splicing: four predict the variant abolishes a 5' splicing donor site. One publication reported whole transcriptome analysis from a skin biopsy sample of a homozygous patient, and found the was absence of PNPLA1 transcript as compared to age- and sex-matched controls, suggesting that the absence of transcript could be caused by nonsense mediated decay (NMD) or other mechanisms leading to transcript instability (Youssefian_2019). The variant was absent in 151370 control chromosomes (gnomAD). c.205+5G>A has been reported in the literature in a homozygous individual affected with Lamellar Ichthyosis (Youssefian_2019, Uitto_2020, Youssefian_2021). These data indicate that the variant may be associated with disease. The following publications have been ascertained in the context of this evaluation (PMID: 30578701, 32147742, 33969388). ClinVar contains an entry for this variant (Variation ID: 633800). Based on the evidence outlined above, the variant was classified as likely pathogenic.

Uitto Lab, Thomas Jefferson University
Classification: Uncertain significance for Autosomal recessive congenital ichthyosis 10. Last evaluated: 2018-06-08. Review status: criteria provided, single submitter. Criteria: ACMG Guidelines, 2015. Collection method: clinical testing. Allele origin: germline. Affected: yes. Study: Rare heritable connective tissue and skin disorders in Iranian cohort.

Literature cited by the submitters: PubMed 30578701 (cited by Women's Health and Genetics/Laboratory Corporation of America, LabCorp); PubMed 32147742 (cited by Women's Health and Genetics/Laboratory Corporation of America, LabCorp); PubMed 33969388 (cited by Women's Health and Genetics/Laboratory Corporation of America, LabCorp).

NM_001374623.1(PNPLA1):c.205+5G>A

Gene: PNPLA1 (patatin like domain 1, omega-hydroxyceramide transacylase; plus strand). Cytogenetic location: 6p21.31.
Variant type: single nucleotide variant.
Coding change: c.205+5G>A on transcript NM_001374623.1 (MANE Select); 5 bases into the intron after coding-DNA position 205, G replaced by A.
Molecular consequence: intron variant.
Genome position (GRCh38, 1-based): chr6:36,270,669, G>A. VCF-style: chr6-36270669-G-A. GRCh37 (hg19) VCF-style: chr6-36238446-G-A.
Other names: c.205+5G>A (NM_001145717.1); c.-80-20651G>A (NM_001145716.2, NM_173676.2).
Identifiers: ClinVar variation 633800 (VCV000633800.2), dbSNP rs1561853887, ClinGen allele CA913189742.
Genomic context (GRCh38, chr6:36,270,669, plus strand): 5'-GGGGACATCGGCAGGTGCTGTGATCGCCGCCCTGGCCATCTGCGGGATTGAAATGGGTGA[G>A]GCCTGTGTTCTGGGTCCCCTGGGAAGTCTCTTGGGGGATTCCACAGAGACAGAAGGAGCG-3'